The following is an entry in ClinVar:

ClinVar aggregate classification (germline): not provided (0 of 4 stars; one submission).

Conditions:
Blau syndrome (BLAUS). Also called: ARTHROCUTANEOUVEAL GRANULOMATOSIS; GRANULOMATOSIS, FAMILIAL JUVENILE SYSTEMIC; GRANULOMATOSIS, FAMILIAL, BLAU TYPE; GRANULOMATOUS INFLAMMATORY ARTHRITIS, DERMATITIS, AND UVEITIS, FAMILIAL; JABS SYNDROME. Identifiers: Orphanet 90340, MedGen C5201146, MONDO:0008523, OMIM 186580.

Submission:

Unité médicale des maladies autoinflammatoires, CHRU Montpellier
No classification provided. Condition: Sarcoidosis, early-onset. Review status: no classification provided. Collection method: not provided. Allele origin: unknown.
Comment: also involved in OMIM 186580 and 266600

NM_001370466.1(NOD2):c.1285C>T (p.Leu429=)

Gene: NOD2 (nucleotide binding oligomerization domain containing 2; plus strand). Cytogenetic location: 16q12.1.
Variant type: single nucleotide variant.
Coding change: c.1285C>T on transcript NM_001370466.1 (MANE Select); coding-DNA position 1285, C replaced by T.
Protein change: p.Leu429=; no amino-acid change (leucine 429 retained).
Molecular consequence: synonymous variant. On other transcripts: non-coding transcript variant (1).
Genome position (GRCh38, 1-based): chr16:50,711,277, C>T. VCF-style: chr16-50711277-C-T. GRCh37 (hg19) VCF-style: chr16-50745188-C-T.
Other names: c.1285C>T, p.Leu429= (NM_001293557.2); c.1366C>T, p.Leu456= (NM_022162.3).
Identifiers: ClinVar variation 80161 (VCV000080161.1), dbSNP rs104895433, ClinGen allele CA150196.